The following is an entry in ClinVar:

NM_005477.3(HCN4):c.3194T>C (p.Val1065Ala)

Gene: HCN4 (hyperpolarization activated cyclic nucleotide gated potassium channel 4; minus strand). Cytogenetic location: 15q24.1.
Variant type: single nucleotide variant.
Coding change: c.3194T>C on transcript NM_005477.3 (MANE Select); coding-DNA position 3194, T replaced by C.
Protein change: p.Val1065Ala; replaces valine 1065 with alanine.
Molecular consequence: missense variant.
Genome position (GRCh38, 1-based): chr15:73,322,899, A>G on the plus strand (T>C on the coding strand, the complement: HCN4 is on the minus strand). VCF-style: chr15-73322899-A-G. GRCh37 (hg19) VCF-style: chr15-73615240-A-G.
Other names: short protein forms V1065A.
Identifiers: ClinVar variation 2156769 (VCV002156769.4), dbSNP rs2042870582, ClinGen allele CA393086032.
Genomic context (GRCh38, chr15:73,322,899, plus strand): 5'-AGCTTGAGGTCCTGGGTGAGGCGGCCGGGGGTGAGCGGGGGTGTGCCCCGGCGCTGGGGG[A>G]CCTGGGGTGGTGGGGGGCTGGATGCAGGTGGCAGGAGCAAGGATCCGTGGGAGCCAGAGG-3'
Protein context (NP_005468.1, residues 1055-1075): PPASSPPPPQ[Val1065Ala]PQRRGTPPLT

ClinVar aggregate classification (germline): Uncertain significance (1 of 4 stars; one submission).

Conditions:
Brugada syndrome 8 (BRGDA8). Identifiers: Orphanet 130, MedGen C2751083, MONDO:0013148, OMIM 613123.

Allele frequency attached by ClinVar (database versions not stated): gnomAD exomes below 0.00001.
gnomAD v4.1: 1 of 1,403,626 alleles (0.000071%); highest among the groups gnomAD compares: Non-Finnish European, 0.000094%; no homozygotes.

Submission:

Labcorp Genetics (formerly Invitae), Labcorp
Classification: Uncertain significance for Brugada syndrome 8. Last evaluated: 2026-01-19. Review status: criteria provided, single submitter. Criteria: Invitae Variant Classification Sherloc (09022015). Collection method: clinical testing. Allele origin: germline.
Comment: This sequence change replaces valine, which is neutral and non-polar, with alanine, which is neutral and non-polar, at codon 1065 of the HCN4 protein (p.Val1065Ala). This variant is not present in population databases (gnomAD no frequency). This missense change has been observed in individual(s) with sudden unexpected infant death (PMID: 38895864). ClinVar contains an entry for this variant (Variation ID: 2156769). Invitae Evidence Modeling of protein sequence and biophysical properties (such as structural, functional, and spatial information, amino acid conservation, physicochemical variation, residue mobility, and thermodynamic stability) indicates that this missense variant is not expected to disrupt HCN4 protein function with a negative predictive value of 95%. In summary, the available evidence is currently insufficient to determine the role of this variant in disease. Therefore, it has been classified as a Variant of Uncertain Significance.

Literature cited by the submitters: PubMed 38895864.